The following is an entry in ClinVar:

NM_000059.4(BRCA2):c.9273C>T (p.Val3091=)

Gene: BRCA2 (BRCA2 DNA repair associated; plus strand). Cytogenetic location: 13q13.1.
Variant type: single nucleotide variant.
Coding change: c.9273C>T on transcript NM_000059.4 (MANE Select); coding-DNA position 9273, C replaced by T.
Protein change: p.Val3091=; no amino-acid change (valine 3091 retained).
Molecular consequence: synonymous variant.
Genome position (GRCh38, 1-based): chr13:32,394,705, C>T. VCF-style: chr13-32394705-C-T. GRCh37 (hg19) VCF-style: chr13-32968842-C-T.
Identifiers: ClinVar variation 823139 (VCV000823139.15), dbSNP rs1593199596, ClinGen allele CA483270984.

ClinVar aggregate classification (germline): Likely benign. Review status: criteria provided, multiple submitters, no conflicts (2 of 4 stars). 4 submissions from 4 submitters: Likely benign (4). Last evaluated 2024-05-14.

Conditions:
BRCA2-related cancer predisposition. Identifiers: MedGen CN377758, MONDO:0700269.
Hereditary breast ovarian cancer syndrome. Also called: Hereditary breast and ovarian cancer; Breast and ovarian cancer; Hereditary breast and/or ovarian cancer syndrome; Hereditary breast and ovarian cancer syndrome; BRCA1- and BRCA2-Associated Hereditary Breast and Ovarian Cancer; Hereditary breast and ovarian cancer syndrome (HBOC). Identifiers: Orphanet 145, MedGen C0677776, MeSH D061325, MONDO:0003582. Disease mechanism: loss of function.
Hereditary cancer-predisposing syndrome. Also called: Tumor predisposition; Hereditary Cancer Syndrome; Neoplastic Syndromes, Hereditary; Hereditary neoplastic syndrome. Identifiers: Orphanet 140162, MedGen C0027672, MeSH D009386, MONDO:0015356.

Submissions (4):

All of Us Research Program, National Institutes of Health
Classification: Likely benign for BRCA2-related cancer predisposition. Last evaluated: 2024-05-14. Review status: criteria provided, single submitter. Criteria: ACMG Guidelines, 2015. Collection method: clinical testing. Allele origin: germline. Inheritance: Autosomal dominant inheritance. Observed: 1 variant allele, 1 heterozygote.
Comment: This study involves interpretation of variants in research participants for the purpose of population health screening. Participant phenotype was not available at the time of variant classification. Additional details can be found in publication PMID: 35346344, PMCID: PMC8962531

Labcorp Genetics (formerly Invitae), Labcorp
Classification: Likely benign for Hereditary breast ovarian cancer syndrome. Last evaluated: 2022-09-10. Review status: criteria provided, single submitter. Criteria: Invitae Variant Classification Sherloc (09022015). Collection method: clinical testing. Allele origin: germline.

Color Diagnostics, LLC DBA Color Health
Classification: Likely benign for Hereditary cancer-predisposing syndrome. Last evaluated: 2020-07-27. Review status: criteria provided, single submitter. Criteria: ACMG Guidelines, 2015. Collection method: clinical testing. Allele origin: germline.

Ambry Genetics
Classification: Likely benign for Hereditary cancer-predisposing syndrome. Last evaluated: 2018-06-27. Review status: criteria provided, single submitter. Criteria: Ambry Variant Classification Scheme 2023. Collection method: clinical testing. Allele origin: germline.